The following is an entry in ClinVar:

ClinVar aggregate classification (germline): Pathogenic (1 of 4 stars; one submission).

Conditions:
Neurofibromatosis, type 1 (NF1). Also called: Peripheral type neurofibromatosis; VON RECKLINGHAUSEN DISEASE; NEUROFIBROMATOSIS, TYPE I, SOMATIC; Neurofibromatosis, type I. Identifiers: Orphanet 636, MedGen C0027831, MONDO:0018975, OMIM 162200. Disease mechanism: loss of function.

Submission:

Labcorp Genetics (formerly Invitae), Labcorp
Classification: Pathogenic for Neurofibromatosis, type 1. Last evaluated: 2024-08-15. Review status: criteria provided, single submitter. Criteria: Invitae Variant Classification Sherloc (09022015). Collection method: clinical testing. Allele origin: germline.
Comment: This sequence change creates a premature translational stop signal (p.Asn1542Lysfs*9) in the NF1 gene. It is expected to result in an absent or disrupted protein product. Loss-of-function variants in NF1 are known to be pathogenic (PMID: 10712197, 23913538). This variant is not present in population databases (gnomAD no frequency). This variant has not been reported in the literature in individuals affected with NF1-related conditions. Algorithms developed to predict the effect of sequence changes on RNA splicing suggest that this variant may disrupt the consensus splice site. For these reasons, this variant has been classified as Pathogenic.

Literature cited by the submitters: PubMed 10712197; PubMed 23913538.

NM_001042492.3(NF1):c.4689_4695del (p.Asn1563fs)

Gene: NF1 (neurofibromin 1; plus strand). Cytogenetic location: 17q11.2.
Variant type: Deletion.
Coding change: c.4689_4695del on transcript NM_001042492.3 (MANE Select); coding-DNA positions 4689 to 4695, 7 bases deleted (CCTTACC; older notation c.4689_4695delCCTTACC).
Protein change: p.Asn1563fs; shifts the reading frame from asparagine 1563.
Molecular consequence: frameshift variant.
Genome position (GRCh38, 1-based): chr17:31,261,822-31,261,828, CCTTACC deleted. VCF-style (leftmost placement, unchanged base first): chr17-31261821-ACCTTACC-A. GRCh37 (hg19) VCF-style: chr17-29588839-ACCTTACC-A.
Other names: c.4626_4632delCCTTACC, p.Asn1542Lysfs (NM_000267.4); short protein forms N1542fs, N1563fs.
Identifiers: ClinVar variation 3661880 (VCV003661880.2).